The following is an entry in ClinVar:

ClinVar aggregate classification (germline): Uncertain significance. Review status: criteria provided, multiple submitters, no conflicts (2 of 4 stars). 2 submissions from 2 submitters: Uncertain significance (2). Last evaluated 2021-11-02.

Submissions (2):

Blueprint Genetics
Classification: Uncertain significance. Last evaluated: 2021-11-02. Review status: criteria provided, single submitter. Criteria: ACMG Guidelines, 2015. Collection method: clinical testing. Allele origin: germline.

Labcorp Genetics (formerly Invitae), Labcorp
Classification: Uncertain significance. Last evaluated: 2021-09-01. Review status: criteria provided, single submitter. Criteria: Invitae Variant Classification Sherloc (09022015). Collection method: clinical testing. Allele origin: germline.
Comment: This variant, c.192_194del, results in the deletion of 1 amino acid(s) of the KCNV2 protein (p.Glu64del), but otherwise preserves the integrity of the reading frame. This variant is present in population databases (rs774310851, ExAC 0.002%). This variant has not been reported in the literature in individuals affected with KCNV2-related conditions. Experimental studies and prediction algorithms are not available or were not evaluated, and the functional significance of this variant is currently unknown. In summary, the available evidence is currently insufficient to determine the role of this variant in disease. Therefore, it has been classified as a Variant of Uncertain Significance.

NM_133497.4(KCNV2):c.186GGA[2] (p.Glu64del)

Gene: KCNV2 (potassium voltage-gated channel modifier subfamily V member 2; plus strand). Cytogenetic location: 9p24.2.
Variant type: Microsatellite.
Coding change: c.186GGA[2] on transcript NM_133497.4 (MANE Select); two copies in a row of the 3-base unit GGA starting at c.186; the reference has three copies in a row; one copy, 3 bases deleted.
Protein change: p.Glu64del; deletes glutamic acid 64.
Molecular consequence: inframe deletion.
Genome position (GRCh38, 1-based): chr9:2,717,931-2,717,933, GGA deleted; deleting any 3 consecutive bases within chr9:2,717,923-2,717,933 gives the same sequence; the position shown is the placement nearest the transcript's 3' end. VCF-style (leftmost placement, unchanged base first): chr9-2717922-CGAG-C. GRCh37 (hg19) VCF-style: chr9-2717922-CGAG-C.
Other names: short protein forms E64del.
Identifiers: ClinVar variation 1018145 (VCV001018145.7), dbSNP rs774310851, ClinGen allele CA4965352.
Genomic context (GRCh38, chr9:2,717,922, plus strand): 5'-CAGCATCCACGGCTGGACAGAGGGCAACTATAACTACTACATCGAGGAAGACGAAGACGG[CGAG>C]GAGGAGGACCAGTGGAAGGACGACCTGGCAGAAGAGGACCAGCAGGCAGGGGAGGTCACC-3'